The following is an entry in ClinVar:

NM_001018005.2(TPM1):c.850A>G (p.Ile284Val)

Gene: TPM1 (tropomyosin 1; plus strand). Cytogenetic location: 15q22.2.
Variant type: single nucleotide variant.
Coding change: c.850A>G on transcript NM_001018005.2 (MANE Select); coding-DNA position 850, A replaced by G.
Protein change: p.Ile284Val; replaces isoleucine 284 with valine.
Molecular consequence: missense variant. On other transcripts: intron variant (12).
Genome position (GRCh38, 1-based): chr15:63,064,141, A>G. VCF-style: chr15-63064141-A-G. GRCh37 (hg19) VCF-style: chr15-63356340-A-G.
Other names: p.I284V:ATA>GTA; c.850A>G, p.Met284Val (NM_000366.6, NM_001365779.1); c.850A>G, p.Ile284Val (NM_001301244.2); c.742A>G, p.Ile248Val (NM_001330346.2); c.742A>G, p.Met248Val (NM_001365781.2, NM_001365782.1); c.898+1496A>G (NM_001365778.1); c.772+1496A>G (NM_001018020.2, NM_001018007.2, NM_001018006.2 and 3 more transcripts); c.664+1496A>G (NM_001330351.2, NM_001330344.2, NM_001018008.2 and 2 more transcripts); short protein forms I284V, M284V, I248V, M248V.
Identifiers: ClinVar variation 31898 (VCV000031898.36), dbSNP rs199476322, ClinGen allele CA018431.

ClinVar aggregate classification (germline): Conflicting classifications of pathogenicity. Review status: criteria provided, conflicting classifications (1 of 4 stars). 15 submissions from 15 submitters: Likely pathogenic (1); Uncertain significance (11). 3 of the submissions do not count toward it. Last evaluated 2026-05-16.

Conditions:
TPM1-related disorder. Also called: TPM1-related condition.
Cardiovascular phenotype. Identifiers: MedGen CN230736.
Cardiomyopathy (CMYO). Also called: Cardiomyopathies. Identifiers: Orphanet 167848, MedGen C0878544, MONDO:0004994, HP:0001638. Inheritance: Various modes of inheritance.
Primary dilated cardiomyopathy (DCM). Also called: Dilated Cardiomyopathy. Identifiers: Orphanet 217604, MedGen C0007193, MeSH D002311, MONDO:0005021, HP:0001644. Inheritance: Various modes of inheritance.
Hypertrophic cardiomyopathy. Also called: HYPERTROPHIC MYOCARDIOPATHY. Identifiers: Orphanet 217569, MedGen C0007194, MeSH D002312, MONDO:0005045, HP:0001639.

Allele frequency attached by ClinVar (database versions not stated): TOPMed below 0.00001; gnomAD 0.00001; gnomAD exomes 0.00001.
gnomAD v4.1: 17 of 1,613,620 alleles (0.0011%); highest among the groups gnomAD compares: Middle Eastern, 0.016%; no homozygotes.

Submissions 1 to 7 of 16:

PreventionGenetics, part of Exact Sciences
Classification: Uncertain significance for TPM1-related condition. Last evaluated: 2026-05-16. Review status: criteria provided, single submitter. Criteria: ACMG Guidelines, 2015. Collection method: clinical testing. Allele origin: germline.
Comment: The TPM1 c.742A>G variant is predicted to result in the amino acid substitution p.Met248Val. This variant is commonly reported in the literature using the NM_001018005 transcript, corresponding to c.850A>G (p.Ile284Val), which is predicted to alter splicing based on available splicing prediction programs (SpliceAI, Jaganathan et al. 2019. PubMed ID: 30661751); however, the use of computer prediction programs is not equivalent to functional evidence. This variant has been reported in individuals with hypertrophic cardiomyopathy, dilated cardiomyopathy, and noncompaction cardiomyopathy; however, this variant is predominantly reported as a variant of uncertain significance (see, for example, Witjas-Paalberends et al. 2013. PubMed ID: 23674513; Table S2, Helms et al. 2014. PubMed ID: 25031304; Table S1A, Walsh et al. 2016. PubMed ID: 27532257; Table S1, Ho et al. 2018. PubMed ID: 30297972; Table S3, van Waning et al. 2018. PubMed ID: 29447731; Table S2B, Al-Shafai et al. 2021. PubMed ID: 34137518). Functional studies suggest this variant impacts protein function (Matyushenko et al. 2018. PubMed ID: 30240712; Nefedova et al. 2022. PubMed ID: 36555368; Halder et al. 2025. doi: 10.1016/j.premed.2025.100008). This variant has not been reported in a large population database (gnomAD), indicating this variant is rare. An alternate missense at this same amino acid position, c.851T>C (p.Ile284Thr) using the NM_001018005 transcript, has been reported in an individual with HCM (Robyns et al. 2017. PubMed ID: 29255176). At this time, the clinical significance of this variant is uncertain due to the absence of conclusive functional and genetic evidence.

Labcorp Genetics (formerly Invitae), Labcorp
Classification: Likely pathogenic for Hypertrophic cardiomyopathy. Last evaluated: 2026-01-05. Review status: criteria provided, single submitter. Criteria: Invitae Variant Classification Sherloc (09022015). Collection method: clinical testing. Allele origin: germline.
Comment: This sequence change replaces isoleucine, which is neutral and non-polar, with valine, which is neutral and non-polar, at codon 284 of the TPM1 protein (p.Ile284Val). This variant is not present in population databases (gnomAD no frequency). This missense change has been observed in individuals with hypertrophic cardiomyopathy and/or TPM1-related conditions (PMID: 18533079, 23674513, 25031304, 27532257, 30847666; internal data). This variant is also known as p.Met284Val. ClinVar contains an entry for this variant (Variation ID: 31898). An algorithm developed to predict the effect of missense changes on protein structure and function (PolyPhen-2) suggests that this variant is likely to be tolerated. Experimental studies are conflicting or provide insufficient evidence to determine the effect of this variant on TPM1 function (PMID: 30240712). Algorithms developed to predict the effect of sequence changes on RNA splicing suggest that this variant may disrupt the consensus splice site. In summary, the currently available evidence indicates that the variant is pathogenic, but additional data are needed to prove that conclusively. Therefore, this variant has been classified as Likely Pathogenic.

GeneDx
Classification: Uncertain significance. Last evaluated: 2024-11-25. Review status: criteria provided, single submitter. Criteria: GeneDx Variant Classification Process June 2021. Collection method: clinical testing. Allele origin: germline. Affected: yes.
Comment: Reported in multiple individuals with HCM, sometimes referred to as M284V due to alternate nomenclature (PMID: 25031304, 18533079, 20159828, 23674513, 27532257, 30847666); Not observed at significant frequency in large population cohorts (gnomAD); In silico analysis indicates that this missense variant does not alter protein structure/function; Functional studies demonstrated this variant did not perform significantly different compared to wildtype (PMID: 30240712); In silico analysis is inconclusive as to whether the variant alters gene splicing. In the absence of RNA/functional studies, the actual effect of this sequence change is unknown.; This variant is associated with the following publications: (PMID: 30847666, 34681814, 27532257, 20159828, 33129908, Syomin2020, 18533079, 23674513, 29447731, 34137518, 25031304, 30240712, 37652022)

Color Diagnostics, LLC DBA Color Health
Classification: Uncertain significance for Cardiomyopathy. Last evaluated: 2024-11-18. Review status: criteria provided, single submitter. Criteria: ACMG Guidelines, 2015. Collection method: clinical testing. Allele origin: germline.
Comment: This missense variant replaces isoleucine with valine at codon 284 of the TPM1 protein. Computational prediction suggests that this variant may not impact protein structure and function. A functional study has shown that this variant does not cause a significant impact on protein function and interaction with actin (PMID: 30240712). This variant has been reported in individuals affected with hypertrophic cardiomyopathy (PMID: 18533079, 20159828, 23674513, 25031304, 27532257, 30847666, 31513939), and in an individual affected with non-compaction cardiomyopathy (PMID: 30847666). This variant has not been identified in the general population by the Genome Aggregation Database (gnomAD). The available evidence is insufficient to determine the role of this variant in disease conclusively. Therefore, this variant is classified as a Variant of Uncertain Significance.

All of Us Research Program, National Institutes of Health
Classification: Uncertain significance for Hypertrophic cardiomyopathy. Last evaluated: 2024-07-23. Review status: criteria provided, single submitter. Criteria: ACMG Guidelines, 2015. Collection method: clinical testing. Allele origin: germline. Inheritance: Autosomal dominant inheritance. Observed: 6 variant alleles, 6 heterozygotes.
Comment: This missense variant replaces isoleucine with valine at codon 284 of the TPM1 protein. Computational prediction suggests that this variant may not impact protein structure and function (internally defined REVEL score threshold <= 0.5, PMID: 27666373). A functional study has shown that this variant does not have significant effects on protein function and interaction with actin (PMID: 30240712). This variant has been reported in seven individuals affected with hypertrophic cardiomyopathy (PMID: 18533079, 20159828, 23674513, 25031304, 27532257, 30847666), and in one individual with non-compaction cardiomyopathy (PMID: 30847666). This variant has not been identified in the general population by the Genome Aggregation Database (gnomAD). The available evidence is insufficient to determine the role of this variant in disease conclusively. Therefore, this variant is classified as a Variant of Uncertain Significance.

This study involves interpretation of variants in research participants for the purpose of population health screening. Participant phenotype was not available at the time of variant classification. Additional details can be found in publication PMID: 35346344, PMCID: PMC8962531

Women's Health and Genetics/Laboratory Corporation of America, LabCorp
Classification: Uncertain significance. Last evaluated: 2023-10-12. Review status: criteria provided, single submitter. Criteria: LabCorp Variant Classification Summary - May 2015. Collection method: clinical testing. Allele origin: germline.
Comment: Variant summary: TPM1 c.850A>G (p.Ile284Val) results in a conservative amino acid change in the encoded protein sequence. Three of five in-silico tools predict a benign effect of the variant on protein function. Consensus agreement among computation tools predict no significant impact on normal splicing. However, these predictions have yet to be confirmed by functional studies. The variant was absent in 250272 control chromosomes. The available data on variant occurrences in the general population are insufficient to allow any conclusion about variant significance. c.850A>G has been reported in the literature in individuals affected with hypertrophic cardiomyopathy, dilated cardiomyopathy, or non-compaction cardiomyopathy, without evidence of causality and often reported as a VUS (e.g. Olivotto_2008, Witjas-Paalberends_2013, Helms_2014, Ho_2018, vanWaning_2018, vanLint_2019, Al-Shafai_2021). These reports do not provide unequivocal conclusions about association of the variant with Cardiomyopathy. To our knowledge, no experimental evidence demonstrating an impact on protein function has been reported. The following publications have been ascertained in the context of this evaluation (PMID: 34137518, 25031304, 30297972, 18533079, 23674513, 30847666, 29447731). Ten submitters have cited clinical-significance assessments for this variant to ClinVar after 2014, classifying the variant as uncertain significance (n=9) or likely pathogenic (n=1). Based on the evidence outlined above, the variant was classified as uncertain significance.

Blueprint Genetics
Classification: Uncertain significance. Last evaluated: 2023-07-25. Review status: criteria provided, single submitter. Criteria: ACMG Guidelines, 2015. Collection method: clinical testing. Allele origin: germline.